The following is an entry in ClinVar:

NM_030962.4(SBF2):c.2297A>G (p.Asn766Ser)

Genes: SBF2 (SET binding factor 2; minus strand), LOC101928008 (uncharacterized LOC101928008; plus strand). Cytogenetic location: 11p15.4.
Variant type: single nucleotide variant.
Coding change: c.2297A>G on transcript NM_030962.4 (MANE Select); coding-DNA position 2297, A replaced by G.
Protein change: p.Asn766Ser; replaces asparagine 766 with serine.
Molecular consequence: missense variant.
Genome position (GRCh38, 1-based): chr11:9,856,524, T>C on the plus strand (A>G on the coding strand, the complement: SBF2 is on the minus strand). VCF-style: chr11-9856524-T-C. GRCh37 (hg19) VCF-style: chr11-9878071-T-C.
Other names: c.2297A>G, p.Asn766Ser (NM_001386339.1); c.2168A>G, p.Asn723Ser (NM_001386342.1); short protein forms N723S, N766S.
Identifiers: ClinVar variation 1789181 (VCV001789181.2), dbSNP rs2494902136, ClinGen allele CA379638828.

ClinVar aggregate classification (germline): Uncertain significance (1 of 4 stars; one submission).

Conditions:
Inborn genetic diseases. Identifiers: MedGen C0950123, MeSH D030342.

Submission:

Ambry Genetics
Classification: Uncertain significance for Inborn genetic diseases. Last evaluated: 2021-02-05. Review status: criteria provided, single submitter. Criteria: Ambry Variant Classification Scheme 2023. Collection method: clinical testing. Allele origin: germline.
Comment: The p.N766S variant (also known as c.2297A>G), located in coding exon 19 of the SBF2 gene, results from an A to G substitution at nucleotide position 2297. The asparagine at codon 766 is replaced by serine, an amino acid with highly similar properties. This amino acid position is highly conserved in available vertebrate species. In addition, this alteration is predicted to be tolerated by in silico analysis. Since supporting evidence is limited at this time, the clinical significance of this alteration remains unclear.